The following is an entry in ClinVar:

ClinVar aggregate classification (germline): Uncertain significance (1 of 4 stars; one submission).

Conditions:
Cataract 5 multiple types (CTRCT5). Also called: CATARACT 5, LAMELLAR; Lamellar cataract; CATARACT, MARNER TYPE. Identifiers: Orphanet 91492, MedGen C0266537, MONDO:0007290, OMIM 116800, HP:0007971.

Submission:

Labcorp Genetics (formerly Invitae), Labcorp
Classification: Uncertain significance for Cataract 5 multiple types. Last evaluated: 2025-08-10. Review status: criteria provided, single submitter. Criteria: Invitae Variant Classification Sherloc (09022015). Collection method: clinical testing. Allele origin: germline.
Comment: This sequence change disrupts the translational stop signal of the HSF4 mRNA. It is expected to extend the length of the HSF4 protein by 5 additional amino acid residues. This variant is not present in population databases (gnomAD no frequency). This variant has not been reported in the literature in individuals affected with HSF4-related conditions. Experimental studies and prediction algorithms are not available or were not evaluated, and the functional significance of this variant is currently unknown. In summary, the available evidence is currently insufficient to determine the role of this variant in disease. Therefore, it has been classified as a Variant of Uncertain Significance.

NM_001374675.1(HSF4):c.1476del (p.Ter493LysextTer?)

Gene: HSF4 (heat shock transcription factor 4; plus strand). Cytogenetic location: 16q22.1.
Variant type: Deletion.
Coding change: c.1476del on transcript NM_001374675.1 (MANE Select); coding-DNA position 1476, one base deleted (C; older notation c.1476delC).
Protein change: p.Ter493LysextTer?.
Molecular consequence: frameshift variant.
Genome position (GRCh38, 1-based): chr16:67,169,782, C deleted; the last of 5 consecutive C bases (chr16:67,169,778-67,169,782); deleting any one gives the same sequence. VCF-style (leftmost placement, unchanged base first): chr16-67169777-TC-T. GRCh37 (hg19) VCF-style: chr16-67203680-TC-T.
Other names: c.1476del, p.Ter493LysextTer? (NM_001040667.3); c.1386del, p.Ter463LysextTer? (NM_001374674.1, NM_001538.4).
Identifiers: ClinVar variation 4727879 (VCV004727879.1).